The following is an entry in ClinVar:

NM_001085049.3(MRAS):c.488A>G (p.Asn163Ser)

Gene: MRAS (muscle RAS oncogene homolog; plus strand). Cytogenetic location: 3q22.3.
Variant type: single nucleotide variant.
Coding change: c.488A>G on transcript NM_001085049.3 (MANE Select); coding-DNA position 488, A replaced by G.
Protein change: p.Asn163Ser; replaces asparagine 163 with serine.
Molecular consequence: missense variant.
Genome position (GRCh38, 1-based): chr3:138,400,574, A>G. VCF-style: chr3-138400574-A-G. GRCh37 (hg19) VCF-style: chr3-138119416-A-G.
Other names: c.260A>G, p.Asn87Ser (NM_001252091.1, NM_001252092.2, NM_001252093.2); c.488A>G, p.Asn163Ser (NM_012219.4, NM_001252090.2); short protein forms N163S, N87S.
Identifiers: ClinVar variation 1329038 (VCV001329038.9), dbSNP rs536326964, ClinGen allele CA2637034.

ClinVar aggregate classification (germline): Conflicting classifications of pathogenicity. Review status: criteria provided, conflicting classifications (1 of 4 stars). 4 submissions from 4 submitters: Uncertain significance (1); Benign (1); Likely benign (2). Last evaluated 2026-09-01.

Allele frequency attached by ClinVar (database versions not stated): TOPMed 0.00007; ExAC 0.00008; gnomAD exomes 0.00009 and 0.00012; gnomAD 0.00013.

Submissions (4):

CeGaT Center for Human Genetics Tuebingen
Classification: Likely benign. Last evaluated: 2026-09-01. Review status: criteria provided, single submitter. Criteria: CeGaT Center For Human Genetics Tuebingen Variant Classification Criteria Version 2. Collection method: clinical testing. Allele origin: germline. Affected: yes. Observed: 1 variant allele.
Comment: MRAS: BS2

Labcorp Genetics (formerly Invitae), Labcorp
Classification: Uncertain significance. Last evaluated: 2025-12-08. Review status: criteria provided, single submitter. Criteria: Invitae Variant Classification Sherloc (09022015). Collection method: clinical testing. Allele origin: germline.
Comment: This sequence change replaces asparagine, which is neutral and polar, with serine, which is neutral and polar, at codon 163 of the MRAS protein (p.Asn163Ser). This variant is present in population databases (rs536326964, gnomAD 0.02%). This variant has not been reported in the literature in individuals affected with MRAS-related conditions. ClinVar contains an entry for this variant (Variation ID: 1329038). An algorithm developed to predict the effect of missense changes on protein structure and function (PolyPhen-2) suggests that this variant is likely to be disruptive. In summary, the available evidence is currently insufficient to determine the role of this variant in disease. Therefore, it has been classified as a Variant of Uncertain Significance.

Blueprint Genetics
Classification: Likely benign. Last evaluated: 2024-07-11. Review status: criteria provided, single submitter. Criteria: ACMG Guidelines, 2015. Collection method: clinical testing. Allele origin: germline.

Women's Health and Genetics/Laboratory Corporation of America, LabCorp
Classification: Benign. Last evaluated: 2021-11-22. Review status: criteria provided, single submitter. Criteria: LabCorp Variant Classification Summary - May 2015. Collection method: clinical testing. Allele origin: germline.
Comment: Variant summary: MRAS c.488A>G (p.Asn163Ser) results in a conservative amino acid change located in the Small GTP-binding protein domain (IPR005225) of the encoded protein sequence. Four of five in-silico tools predict a damaging effect of the variant on protein function. The variant allele was found at a frequency of 9.1e-05 in 251458 control chromosomes, predominantly at a frequency of 0.00015 within the Non-Finnish European subpopulation in the gnomAD database. The observed variant frequency within Non-Finnish European control individuals in the gnomAD database is approximately 60 fold of the estimated maximal expected allele frequency for a pathogenic variant in MRAS causing Noonan Syndrome phenotype (2.5e-06), strongly suggesting that the variant is a benign polymorphism found primarily in populations of Non-Finnish European origin. To our knowledge, no occurrence of c.488A>G in individuals affected with Noonan Syndrome and no experimental evidence demonstrating its impact on protein function have been reported. No clinical diagnostic laboratories have submitted clinical-significance assessments for this variant to ClinVar after 2014. Based on the evidence outlined above, the variant was classified as benign.